The following is an entry in ClinVar:

ClinVar aggregate classification (germline): Uncertain significance (1 of 4 stars; one submission).

Conditions:
Rubinstein-Taybi syndrome (RSTS). Identifiers: Orphanet 783, MedGen C0035934, MONDO:0019188.

Submission:

Labcorp Genetics (formerly Invitae), Labcorp
Classification: Uncertain significance for Rubinstein-Taybi syndrome. Last evaluated: 2025-01-20. Review status: criteria provided, single submitter. Criteria: Invitae Variant Classification Sherloc (09022015). Collection method: clinical testing. Allele origin: germline.
Comment: This sequence change replaces proline, which is neutral and non-polar, with arginine, which is basic and polar, at codon 618 of the CREBBP protein (p.Pro618Arg). This variant is not present in population databases (gnomAD no frequency). This variant has not been reported in the literature in individuals affected with CREBBP-related conditions. ClinVar contains an entry for this variant (Variation ID: 2852736). Invitae Evidence Modeling of protein sequence and biophysical properties (such as structural, functional, and spatial information, amino acid conservation, physicochemical variation, residue mobility, and thermodynamic stability) indicates that this missense variant is expected to disrupt CREBBP protein function with a positive predictive value of 95%. In summary, the available evidence is currently insufficient to determine the role of this variant in disease. Therefore, it has been classified as a Variant of Uncertain Significance.

NM_004380.3(CREBBP):c.1853C>G (p.Pro618Arg)

Gene: CREBBP (CREB binding lysine acetyltransferase; minus strand). Cytogenetic location: 16p13.3.
Variant type: single nucleotide variant.
Coding change: c.1853C>G on transcript NM_004380.3 (MANE Select); coding-DNA position 1853, C replaced by G.
Protein change: p.Pro618Arg; replaces proline 618 with arginine.
Molecular consequence: missense variant.
Genome position (GRCh38, 1-based): chr16:3,778,788, G>C on the plus strand (C>G on the coding strand, the complement: CREBBP is on the minus strand). VCF-style: chr16-3778788-G-C. GRCh37 (hg19) VCF-style: chr16-3828789-G-C.
Other names: c.1739C>G, p.Pro580Arg (NM_001079846.1); short protein forms P580R, P618R.
Identifiers: ClinVar variation 2852736 (VCV002852736.3), dbSNP rs2053204447, ClinGen allele CA394555467.